The following is an entry in ClinVar:

ClinVar aggregate classification (germline): Likely benign (0 of 4 stars; one submission).

Conditions:
ROCK2-related disorder. Also called: ROCK2-related condition.

Allele frequency attached by ClinVar (database versions not stated): ESP Exome Variant Server 0.00025; gnomAD 0.00032; TOPMed 0.00032; ExAC 0.00037; gnomAD exomes 0.00048.
gnomAD v4.1: 745 of 1,609,142 alleles (0.046%); highest among the groups gnomAD compares: Non-Finnish European, 0.059%; no homozygotes.

Submission:

PreventionGenetics, part of Exact Sciences
Classification: Likely benign for ROCK2-related condition. Last evaluated: 2021-10-20. Review status: no assertion criteria provided. Collection method: clinical testing. Allele origin: germline.
Comment: This variant is classified as likely benign based on ACMG/AMP sequence variant interpretation guidelines (Richards et al. 2015 PMID: 25741868, with internal and published modifications).

NM_004850.5(ROCK2):c.2172C>T (p.Ser724=)

Gene: ROCK2 (Rho associated coiled-coil containing protein kinase 2; minus strand). Cytogenetic location: 2p25.1.
Variant type: single nucleotide variant.
Coding change: c.2172C>T on transcript NM_004850.5 (MANE Select); coding-DNA position 2172, C replaced by T.
Protein change: p.Ser724=; no amino-acid change (serine 724 retained).
Molecular consequence: synonymous variant.
Genome position (GRCh38, 1-based): chr2:11,211,712, G>A on the plus strand (C>T on the coding strand, the complement: ROCK2 is on the minus strand). VCF-style: chr2-11211712-G-A. GRCh37 (hg19) VCF-style: chr2-11351838-G-A.
Other names: c.1914C>T, p.Ser638= (NM_001321643.2).
Identifiers: ClinVar variation 3050996 (VCV003050996.2), dbSNP rs200234402, ClinGen allele CA1530151.
Genomic context (GRCh38, chr2:11,211,712, plus strand): 5'-CTGGAAAACCCTCTTTAAAAAATGCATACCTTTCATGGCTTCTGATTTGGCTTCTTCGAT[G>A]GACTCATAGATCTTATTTTTATCTGCTAGTCGTGCCTTTGTGGCCTTATGTTCAGCTTCT-3'
Protein context (NP_004841.2, residues 714-734): RLADKNKIYE[Ser724=]IEEAKSEAMK